The following is an entry in ClinVar:

ClinVar aggregate classification (germline): Conflicting classifications of pathogenicity. Review status: criteria provided, conflicting classifications (1 of 4 stars). 3 submissions from 3 submitters: Uncertain significance (2); Likely benign (1). Last evaluated 2022-07-07.

Conditions:
Xanthinuria type II. Also called: Xanthine dehydrogenase and aldehyde oxidase combined deficiency of; XDH and AOX dual deficiency. Identifiers: Orphanet 3467, Orphanet 93602, MedGen C1863688, MONDO:0011346, OMIM 603592.
Inborn genetic diseases. Identifiers: MedGen C0950123, MeSH D030342.
Hereditary xanthinuria type 1 (XAN1). Identifiers: Orphanet 3467, Orphanet 93601, MedGen C0268118, MONDO:0010209, OMIM 278300.

Allele frequency attached by ClinVar (database versions not stated): gnomAD exomes 0.00005 and 0.00014; ExAC 0.00016; ESP Exome Variant Server 0.00031; gnomAD 0.00042 and 0.00045; TOPMed 0.00055.
gnomAD v4.1: 137 of 1,614,044 alleles (0.0085%); highest among the groups gnomAD compares: African/African-American, 0.15%; 1 homozygote.

Submissions (3):

Ambry Genetics
Classification: Likely benign for Inborn genetic diseases. Last evaluated: 2022-07-07. Review status: criteria provided, single submitter. Criteria: Ambry Variant Classification Scheme 2023. Collection method: clinical testing. Allele origin: germline.

Fulgent Genetics
Classification: Uncertain significance for Hereditary xanthinuria type 1. Last evaluated: 2022-02-08. Review status: criteria provided, single submitter. Criteria: ACMG Guidelines, 2015. Collection method: clinical testing. Allele origin: unknown.

Labcorp Genetics (formerly Invitae), Labcorp
Classification: Uncertain significance for Xanthinuria type II. Last evaluated: 2021-08-26. Review status: criteria provided, single submitter. Criteria: Invitae Variant Classification Sherloc (09022015). Collection method: clinical testing. Allele origin: germline.
Comment: This sequence change replaces arginine with glutamine at codon 1296 of the XDH protein (p.Arg1296Gln). The arginine residue is moderately conserved and there is a small physicochemical difference between arginine and glutamine. This variant is present in population databases (rs139691722, ExAC 0.1%). This variant has not been reported in the literature in individuals affected with XDH-related conditions. Algorithms developed to predict the effect of missense changes on protein structure and function output the following: SIFT: "Tolerated"; PolyPhen-2: "Benign"; Align-GVGD: "Class C0". The glutamine amino acid residue is found in multiple mammalian species, which suggests that this missense change does not adversely affect protein function. In summary, the available evidence is currently insufficient to determine the role of this variant in disease. Therefore, it has been classified as a Variant of Uncertain Significance.

NM_000379.4(XDH):c.3887G>A (p.Arg1296Gln)

Gene: XDH (xanthine dehydrogenase; minus strand). Cytogenetic location: 2p23.1.
Variant type: single nucleotide variant.
Coding change: c.3887G>A on transcript NM_000379.4 (MANE Select); coding-DNA position 3887, G replaced by A.
Protein change: p.Arg1296Gln; replaces arginine 1296 with glutamine.
Molecular consequence: missense variant.
Genome position (GRCh38, 1-based): chr2:31,337,705, C>T on the plus strand (G>A on the coding strand, the complement: XDH is on the minus strand). VCF-style: chr2-31337705-C-T. GRCh37 (hg19) VCF-style: chr2-31560571-C-T.
Other names: short protein forms R1296Q.
Identifiers: ClinVar variation 964201 (VCV000964201.8), dbSNP rs139691722, ClinGen allele CA1598226.